The following is an entry in ClinVar:

ClinVar aggregate classification (germline): Uncertain significance (1 of 4 stars; one submission).

Submission:

Women's Health and Genetics/Laboratory Corporation of America, LabCorp
Classification: Uncertain significance. Last evaluated: 2026-01-06. Review status: criteria provided, single submitter. Criteria: LabCorp Variant Classification Summary - May 2015. Collection method: clinical testing. Allele origin: germline.
Comment: Variant summary: HADHA c.1665G>T (p.Met555Ile) results in a conservative amino acid change in the encoded protein sequence. Algorithms developed to predict the effect of missense changes on protein structure and function are either unavailable or do not agree on the potential impact of this missense change. The variant was absent in 251478 control chromosomes. The available data on variant occurrences in the general population are insufficient to allow any conclusion about variant significance. To our knowledge, no occurrence of c.1665G>T in individuals affected with HADHA-related conditions and no experimental evidence demonstrating its impact on protein function have been reported. No submitters have cited clinical-significance assessments for this variant to ClinVar. Based on the evidence outlined above, the variant was classified as uncertain significance.

NM_000182.5(HADHA):c.1665G>T (p.Met555Ile)

Genes: GAREM2 (GRB2 associated regulator of MAPK1 subtype 2; plus strand), HADHA (hydroxyacyl-CoA dehydrogenase trifunctional multienzyme complex subunit alpha; minus strand). Cytogenetic location: 2p23.3.
Variant type: single nucleotide variant.
Coding change: c.1665G>T on transcript NM_000182.5 (MANE Select); coding-DNA position 1665, G replaced by T.
Protein change: p.Met555Ile; replaces methionine 555 with isoleucine.
Molecular consequence: missense variant.
Genome position (GRCh38, 1-based): chr2:26,194,594, C>A on the plus strand (G>T on the coding strand, the complement: HADHA is on the minus strand). VCF-style: chr2-26194594-C-A. GRCh37 (hg19) VCF-style: chr2-26417463-C-A.
Other names: short protein forms M555I.
Identifiers: ClinVar variation 4689607 (VCV004689607.1).